The following is an entry in ClinVar:

ClinVar aggregate classification (germline): Pathogenic (1 of 4 stars; one submission).

Conditions:
Joubert syndrome. Also called: CEREBELLOPARENCHYMAL DISORDER IV; JOUBERT-BOLTSHAUSER SYNDROME; Familial aplasia of the vermis. Identifiers: Orphanet 475, MedGen C5979921, MONDO:0018772.
Nephronophthisis. Also called: Juvenile Nephronophthisis. Identifiers: Orphanet 655, MedGen C0687120, MONDO:0019005, HP:0000090.
Meckel-Gruber syndrome. Also called: DYSENCEPHALIA SPLANCHNOCYSTICA; GRUBER SYNDROME; Dysencephalia splachnocystica. Identifiers: Orphanet 564, MedGen C0265215, MONDO:0018921.

Submission:

Labcorp Genetics (formerly Invitae), Labcorp
Classification: Pathogenic for Joubert syndrome; Meckel-Gruber syndrome; Nephronophthisis. Last evaluated: 2021-08-20. Review status: criteria provided, single submitter. Criteria: Invitae Variant Classification Sherloc (09022015). Collection method: clinical testing. Allele origin: germline.
Comment: For these reasons, this variant has been classified as Pathogenic. This variant has not been reported in the literature in individuals affected with CEP290-related conditions. This variant is not present in population databases (ExAC no frequency). This sequence change creates a premature translational stop signal (p.Lys1739Asnfs*11) in the CEP290 gene. It is expected to result in an absent or disrupted protein product. Loss-of-function variants in CEP290 are known to be pathogenic (PMID: 16909394, 17345604, 20690115).

Literature cited by the submitters: PubMed 16909394; PubMed 17345604; PubMed 20690115.

NM_025114.4(CEP290):c.5217del (p.Lys1739fs)

Gene: CEP290 (centrosomal protein 290; minus strand). Cytogenetic location: 12q21.32.
Variant type: Deletion.
Coding change: c.5217del on transcript NM_025114.4 (MANE Select); coding-DNA position 5217, one base deleted (A; older notation c.5217delA).
Protein change: p.Lys1739fs; shifts the reading frame from lysine 1739.
Molecular consequence: frameshift variant.
Genome position (GRCh38, 1-based): chr12:88,080,191, T deleted on the plus strand (A on the coding strand, the reverse complement: CEP290 is on the minus strand); the first of 3 consecutive T bases (chr12:88,080,191-88,080,193); deleting any one gives the same sequence. VCF-style (leftmost placement, unchanged base first): chr12-88080190-GT-G. GRCh37 (hg19) VCF-style: chr12-88473967-GT-G.
Other names: short protein forms K1739fs.
Identifiers: ClinVar variation 1358796 (VCV001358796.6), dbSNP rs2137101209, ClinGen allele CA2573149001.